The following is an entry in ClinVar:

NM_000360.4(TH):c.1318G>A (p.Ala440Thr)

Gene: TH (tyrosine hydroxylase; minus strand). Cytogenetic location: 11p15.5.
Variant type: single nucleotide variant.
Coding change: c.1318G>A on transcript NM_000360.4 (MANE Select); coding-DNA position 1318, G replaced by A.
Protein change: p.Ala440Thr; replaces alanine 440 with threonine.
Molecular consequence: missense variant.
Genome position (GRCh38, 1-based): chr11:2,165,248, C>T on the plus strand (G>A on the coding strand, the complement: TH is on the minus strand). VCF-style: chr11-2165248-C-T. GRCh37 (hg19) VCF-style: chr11-2186478-C-T.
Other names: c.1411G>A, p.Ala471Thr (NM_199292.3); c.1399G>A, p.Ala467Thr (NM_199293.3); short protein forms A440T, A471T, A467T.
Identifiers: ClinVar variation 2048759 (VCV002048759.1), dbSNP rs374465917, ClinGen allele CA5818302.
Genomic context (GRCh38, chr11:2,165,248, plus strand): 5'-GTTTGGGGGCACCATGGGGGGCTTGCCCTAGCAGCCTAGCCCACCTGAGCTTGTCCTTGG[C>T]GTCACTGAAGCTCTCAGACACGAAGTAGACTGACTGGTACGTCTGGTCTTGGTAGGGCTG-3'
Protein context (NP_000351.2, residues 430-450): VYFVSESFSD[Ala440Thr]KDKLRSYASR

ClinVar aggregate classification (germline): Uncertain significance (1 of 4 stars; one submission).

Conditions:
TH-deficient dopa-responsive dystonia. Also called: Tyrosine Hydroxylase-Deficient Dopa-Responsive Dystonia; Segawa syndrome, autosomal recessive; DYT-TH. Identifiers: Orphanet 101150, MedGen C2673535, MONDO:0011551, OMIM 605407.

Submission:

Labcorp Genetics (formerly Invitae), Labcorp
Classification: Uncertain significance for TH-deficient dopa-responsive dystonia. Last evaluated: 2022-05-13. Review status: criteria provided, single submitter. Criteria: Invitae Variant Classification Sherloc (09022015). Collection method: clinical testing. Allele origin: germline.
Comment: This sequence change replaces alanine, which is neutral and non-polar, with threonine, which is neutral and polar, at codon 471 of the TH protein (p.Ala471Thr). This variant is present in population databases (rs374465917, gnomAD 0.002%). This variant has not been reported in the literature in individuals affected with TH-related conditions. Algorithms developed to predict the effect of missense changes on protein structure and function (SIFT, PolyPhen-2, Align-GVGD) all suggest that this variant is likely to be disruptive. In summary, the available evidence is currently insufficient to determine the role of this variant in disease. Therefore, it has been classified as a Variant of Uncertain Significance.